The following is an entry in ClinVar:

NM_007126.5(VCP):c.335A>G (p.Lys112Arg)

Gene: VCP (valosin containing protein; minus strand). Cytogenetic location: 9p13.3.
Variant type: single nucleotide variant.
Coding change: c.335A>G on transcript NM_007126.5 (MANE Select); coding-DNA position 335, A replaced by G.
Protein change: p.Lys112Arg; replaces lysine 112 with arginine.
Molecular consequence: missense variant.
Genome position (GRCh38, 1-based): chr9:35,066,785, T>C on the plus strand (A>G on the coding strand, the complement: VCP is on the minus strand). VCF-style: chr9-35066785-T-C. GRCh37 (hg19) VCF-style: chr9-35066782-T-C.
Other names: c.200A>G, p.Lys67Arg (NM_001354927.2, NM_001354928.2); short protein forms K112R, K67R.
Identifiers: ClinVar variation 914194 (VCV000914194.7), dbSNP rs766787045, ClinGen allele CA5039498.

ClinVar aggregate classification (germline): Uncertain significance. Review status: criteria provided, multiple submitters, no conflicts (2 of 4 stars). 3 submissions from 2 submitters: Uncertain significance (3). Last evaluated 2024-04-08.

Conditions:
Frontotemporal dementia and/or amyotrophic lateral sclerosis 6 (FTDALS6). Also called: VCP-Related Amyotrophic Lateral Sclerosis; VCP-Related Amyotrophic Lateral Sclerosis/Frontotemporal Dementia. Identifiers: Orphanet 275872, Orphanet 803, MedGen C5436279, MONDO:0013501, OMIM 613954.
Inclusion body myopathy with Paget disease of bone and frontotemporal dementia. Also called: Inclusion body myopathy with early-onset Paget disease and frontotemporal dementia. Identifiers: Orphanet 52430, MedGen C1833662, MONDO:0000507.
Inclusion body myopathy with Paget disease of bone and frontotemporal dementia type 1. Also called: Inclusion body myopathy with early-onset Paget disease with or without frontotemporal dementia 1; MULTISYSTEM PROTEINOPATHY 1; Inclusion body myopathy with early-onset Paget disease and frontotemporal dementia 1. Identifiers: MedGen C4551951, MONDO:0008178, OMIM 167320.

Allele frequency attached by ClinVar (database versions not stated): TOPMed below 0.00001; ExAC 0.00001; gnomAD exomes 0.00001.
gnomAD v4.1: 19 of 1,614,178 alleles (0.0012%); highest among the groups gnomAD compares: Non-Finnish European, 0.0016%; no homozygotes.

Submissions (3):

Labcorp Genetics (formerly Invitae), Labcorp
Classification: Uncertain significance for Inclusion body myopathy with Paget disease of bone and frontotemporal dementia; Frontotemporal dementia and/or amyotrophic lateral sclerosis 6. Last evaluated: 2024-04-08. Review status: criteria provided, single submitter. Criteria: Invitae Variant Classification Sherloc (09022015). Collection method: clinical testing. Allele origin: germline.
Comment: This sequence change replaces lysine, which is basic and polar, with arginine, which is basic and polar, at codon 112 of the VCP protein (p.Lys112Arg). This variant is present in population databases (rs766787045, gnomAD 0.003%). This missense change has been observed in individual(s) with lateral sclerosis diagnosis (Invitae). ClinVar contains an entry for this variant (Variation ID: 914194). Advanced modeling of protein sequence and biophysical properties (such as structural, functional, and spatial information, amino acid conservation, physicochemical variation, residue mobility, and thermodynamic stability) performed at Invitae indicates that this missense variant is not expected to disrupt VCP protein function with a negative predictive value of 80%. In summary, the available evidence is currently insufficient to determine the role of this variant in disease. Therefore, it has been classified as a Variant of Uncertain Significance.

Illumina Laboratory Services, Illumina
Classification: Uncertain significance for Inclusion body myopathy with Paget disease of bone and frontotemporal dementia type 1. Last evaluated: 2018-01-12. Review status: criteria provided, single submitter. Criteria: ICSL Variant Classification Criteria 13 December 2019. Collection method: clinical testing. Allele origin: germline.

Illumina Laboratory Services, Illumina
Classification: Uncertain significance for Frontotemporal dementia and/or amyotrophic lateral sclerosis 6. Last evaluated: 2018-01-12. Review status: criteria provided, single submitter. Criteria: ICSL Variant Classification Criteria 13 December 2019. Collection method: clinical testing. Allele origin: germline.